The following is an entry in ClinVar:

ClinVar aggregate classification (germline): Uncertain significance (1 of 4 stars; one submission).

Submission:

Labcorp Genetics (formerly Invitae), Labcorp
Classification: Uncertain significance. Last evaluated: 2023-06-05. Review status: criteria provided, single submitter. Criteria: Invitae Variant Classification Sherloc (09022015). Collection method: clinical testing. Allele origin: germline.
Comment: In summary, the available evidence is currently insufficient to determine the role of this variant in disease. Therefore, it has been classified as a Variant of Uncertain Significance. Algorithms developed to predict the effect of sequence changes on RNA splicing suggest that this variant may create or strengthen a splice site. This variant has not been reported in the literature in individuals affected with FGFR3-related conditions. This variant is not present in population databases (gnomAD no frequency). This sequence change falls in intron 8 of the FGFR3 gene. It does not directly change the encoded amino acid sequence of the FGFR3 protein.

NM_000142.5(FGFR3):c.1076-77_1076-16del

Gene: FGFR3 (fibroblast growth factor receptor 3; plus strand). Cytogenetic location: 4p16.3.
Variant type: Deletion.
Coding change: c.1076-77_1076-16del on transcript NM_000142.5 (MANE Select); 77 bases into the intron before coding-DNA position 1076 through 16 bases into the intron before coding-DNA position 1076, 62 bases deleted.
Molecular consequence: intron variant.
Genome position (GRCh38, 1-based): chr4:1,804,253-1,804,314, 62 bases deleted. GRCh37 (hg19): chr4:1,805,980-1,806,041.
Other names: c.1082-77_1082-16del (NM_001163213.2); c.1076-77_1076-16del (NM_001354809.2, NM_001354810.2); c.931-571_931-510del (NM_022965.4).
Identifiers: ClinVar variation 2779086 (VCV002779086.3), dbSNP rs2546820126, ClinGen allele CA2739265865.